The following is an entry in ClinVar:

ClinVar aggregate classification (germline): Uncertain significance (1 of 4 stars; one submission).

Submission:

Labcorp Genetics (formerly Invitae), Labcorp
Classification: Uncertain significance. Last evaluated: 2023-04-06. Review status: criteria provided, single submitter. Criteria: Invitae Variant Classification Sherloc (09022015). Collection method: clinical testing. Allele origin: germline.
Comment: This sequence change creates a premature translational stop signal (p.Cys520*) in the COMP gene. It is expected to result in an absent or disrupted protein product. However, the current clinical and genetic evidence is not sufficient to establish whether loss-of-function variants in COMP cause disease. This variant is present in population databases (rs754475799, gnomAD 0.006%). This variant has not been reported in the literature in individuals affected with COMP-related conditions. In summary, the available evidence is currently insufficient to determine the role of this variant in disease. Therefore, it has been classified as a Variant of Uncertain Significance.

NM_000095.3(COMP):c.1560_1573del (p.Cys520_Glu525delinsTer)

Gene: COMP (cartilage oligomeric matrix protein; minus strand). Cytogenetic location: 19p13.11.
Variant type: Deletion.
Coding change: c.1560_1573del on transcript NM_000095.3 (MANE Select); coding-DNA positions 1560 to 1573, 14 bases deleted (TCCGGAGAACGCTG).
Protein change: p.Cys520_Glu525delinsTer.
Molecular consequence: nonsense.
Genome position (GRCh38, 1-based): chr19:18,785,768-18,785,781, CAGCGTTCTCCGGA deleted on the plus strand (TCCGGAGAACGCTG on the coding strand, the reverse complement: COMP is on the minus strand); deleting any 14 consecutive bases within chr19:18,785,768-18,785,783 gives the same sequence; the c. name uses the placement nearest the transcript's 3' end. VCF-style (leftmost placement, unchanged base first): chr19-18785767-TCAGCGTTCTCCGGA-T. GRCh37 (hg19) VCF-style: chr19-18896577-TCAGCGTTCTCCGGA-T.
Identifiers: ClinVar variation 2746082 (VCV002746082.3), dbSNP rs754475799, ClinGen allele CA9316356.
Genomic context (GRCh38, chr19:18,785,767, plus strand): 5'-GCGTCACCCTCCGGGTCCAGCACGACTGTCTGGAAGGCCCTGAAGTCGGTGAGCGTGACT[TCAGCGTTCTCCGGA>T]CACACGTCGATCTTGTCTACCACCTTGTCTGCATCAAAGTCGTCCTGGCACACGTCGCCC-3'